The following is an entry in ClinVar:

ClinVar aggregate classification (germline): Conflicting classifications of pathogenicity. Review status: criteria provided, conflicting classifications (1 of 4 stars). 4 submissions from 4 submitters: Uncertain significance (3); Likely benign (1). Last evaluated 2025-12-06.

Conditions:
Inborn genetic diseases. Identifiers: MedGen C0950123, MeSH D030342.
HPS4-related disorder. Also called: HPS4-related condition.

Allele frequency attached by ClinVar (database versions not stated): TOPMed 0.00008; ExAC 0.00009; gnomAD 0.00009 and 0.00011; gnomAD exomes 0.00010; 1000 Genomes Project 30x 0.00016; 1000 Genomes Project 0.00020; ESP Exome Variant Server 0.00023.
gnomAD v4.1: 179 of 1,614,154 alleles (0.011%); highest among the groups gnomAD compares: Middle Eastern, 0.066%; no homozygotes.

Submissions (4):

Labcorp Genetics (formerly Invitae), Labcorp
Classification: Likely benign. Last evaluated: 2025-12-06. Review status: criteria provided, single submitter. Criteria: Invitae Variant Classification Sherloc (09022015). Collection method: clinical testing. Allele origin: germline.

Ambry Genetics
Classification: Uncertain significance for Inborn genetic diseases. Last evaluated: 2025-04-03. Review status: criteria provided, single submitter. Criteria: Ambry Variant Classification Scheme 2023. Collection method: clinical testing. Allele origin: germline.

PreventionGenetics, part of Exact Sciences
Classification: Uncertain significance for HPS4-related condition. Last evaluated: 2024-10-22. Review status: criteria provided, single submitter. Criteria: ACMG Guidelines, 2015. Collection method: clinical testing. Allele origin: germline.
Comment: The HPS4 c.1793C>T variant is predicted to result in the amino acid substitution p.Thr598Met. To our knowledge, this variant has not been reported in the literature. This variant is reported in 0.016% of alleles in individuals of African descent in gnomAD. At this time, the clinical significance of this variant is uncertain due to the absence of conclusive functional and genetic evidence.

Mayo Clinic Laboratories, Mayo Clinic
Classification: Uncertain significance. Last evaluated: 2024-07-02. Review status: criteria provided, single submitter. Criteria: ACMG Guidelines, 2015. Collection method: clinical testing. Allele origin: germline. Observed: 1 variant allele.
Comment: BP4

NM_022081.6(HPS4):c.1793C>T (p.Thr598Met)

Gene: HPS4 (HPS4 biogenesis of lysosomal organelles complex 3 subunit 2; minus strand). Cytogenetic location: 22q12.1.
Variant type: single nucleotide variant.
Coding change: c.1793C>T on transcript NM_022081.6 (MANE Select); coding-DNA position 1793, C replaced by T.
Protein change: p.Thr598Met; replaces threonine 598 with methionine.
Molecular consequence: missense variant. On other transcripts: non-coding transcript variant (8), intron variant (2).
Genome position (GRCh38, 1-based): chr22:26,458,498, G>A on the plus strand (C>T on the coding strand, the complement: HPS4 is on the minus strand). VCF-style: chr22-26458498-G-A. GRCh37 (hg19) VCF-style: chr22-26854464-G-A.
Other names: p.Thr598Met; c.1793C>T (NM_022081.4, NM_022081.5); c.1793C>T, p.Thr598Met (NM_001349896.1, NM_001349898.2, NM_001349899.2 and 2 more transcripts); c.1714-5094C>T (NM_001349902.1, NM_001349903.2); c.1847C>T, p.Thr616Met (NM_001349900.2, NM_001349901.1); c.1778C>T, p.Thr593Met (NM_152841.2); short protein forms T593M, T598M, T616M.
Identifiers: ClinVar variation 1135670 (VCV001135670.12), dbSNP rs149689335, ClinGen allele CA10163216.